The following is an entry in ClinVar:

NM_001482.3(GATM):c.395A>G (p.Asn132Ser)

Gene: GATM (glycine amidinotransferase; minus strand). Cytogenetic location: 15q21.1.
Variant type: single nucleotide variant.
Coding change: c.395A>G on transcript NM_001482.3 (MANE Select); coding-DNA position 395, A replaced by G.
Protein change: p.Asn132Ser; replaces asparagine 132 with serine.
Molecular consequence: missense variant.
Genome position (GRCh38, 1-based): chr15:45,369,415, T>C on the plus strand (A>G on the coding strand, the complement: GATM is on the minus strand). VCF-style: chr15-45369415-T-C. GRCh37 (hg19) VCF-style: chr15-45661613-T-C.
Other names: c.8A>G, p.Asn3Ser (NM_001321015.2); short protein forms N132S, N3S.
Identifiers: ClinVar variation 648568 (VCV000648568.8), dbSNP rs759658712, ClinGen allele CA7542940.

ClinVar aggregate classification (germline): Uncertain significance (1 of 4 stars; one submission).

Conditions:
Arginine:glycine amidinotransferase deficiency (CCDS3). Also called: L-Arginine:Glycine Amidinotransferase Deficiency; L-Arginine:Glycine Amidinotransferase (AGAT) Deficiency; AGAT deficiency; Creatine deficiency syndrome due to AGAT deficiency; GATM deficiency; Cerebral creatine deficiency syndrome 3. Identifiers: Orphanet 35704, MedGen C2675179, MONDO:0012996, OMIM 612718.

Allele frequency attached by ClinVar (database versions not stated): ExAC 0.00001.
gnomAD v4.1: 3 of 1,614,168 alleles (0.00019%); highest among the groups gnomAD compares: South Asian, 0.0022%; no homozygotes.

Submission:

Labcorp Genetics (formerly Invitae), Labcorp
Classification: Uncertain significance for Arginine:glycine amidinotransferase deficiency. Last evaluated: 2018-11-13. Review status: criteria provided, single submitter. Criteria: Invitae Variant Classification Sherloc (09022015). Collection method: clinical testing. Allele origin: germline.
Comment: In summary, the available evidence is currently insufficient to determine the role of this variant in disease. Therefore, it has been classified as a Variant of Uncertain Significance. Algorithms developed to predict the effect of missense changes on protein structure and function are either unavailable or do not agree on the potential impact of this missense change (SIFT: "Deleterious"; PolyPhen-2: "Benign"; Align-GVGD: "Class C45"). This variant has not been reported in the literature in individuals with GATM-related disease. The frequency data for this variant in the population databases is considered unreliable, as metrics indicate poor data quality at this position in the ExAC database. This sequence change replaces asparagine with serine at codon 132 of the GATM protein (p.Asn132Ser). The asparagine residue is highly conserved and there is a small physicochemical difference between asparagine and serine.